The following is an entry in ClinVar:

NM_033004.4(NLRP1):c.1420C>T (p.Arg474Cys)

Gene: NLRP1 (NLR family pyrin domain containing 1; minus strand). Cytogenetic location: 17p13.2.
Variant type: single nucleotide variant.
Coding change: c.1420C>T on transcript NM_033004.4 (MANE Select); coding-DNA position 1420, C replaced by T.
Protein change: p.Arg474Cys; replaces arginine 474 with cysteine.
Molecular consequence: missense variant.
Genome position (GRCh38, 1-based): chr17:5,559,276, G>A on the plus strand (C>T on the coding strand, the complement: NLRP1 is on the minus strand). VCF-style: chr17-5559276-G-A. GRCh37 (hg19) VCF-style: chr17-5462596-G-A.
Other names: c.1420C>T, p.Arg474Cys (NM_001033053.3, NM_014922.5, NM_033006.4 and 1 more transcripts); short protein forms R474C.
Identifiers: ClinVar variation 2189961 (VCV002189961.4), dbSNP rs202231072, ClinGen allele CA8327370.

ClinVar aggregate classification (germline): Uncertain significance (1 of 4 stars; one submission).

Allele frequency attached by ClinVar (database versions not stated): gnomAD 0.00001; TOPMed 0.00001; ExAC 0.00002; gnomAD exomes 0.00003.
gnomAD v4.1: 42 of 1,614,000 alleles (0.0026%); highest among the groups gnomAD compares: East Asian, 0.0045%; no homozygotes.

Submission:

Labcorp Genetics (formerly Invitae), Labcorp
Classification: Uncertain significance. Last evaluated: 2025-06-22. Review status: criteria provided, single submitter. Criteria: Invitae Variant Classification Sherloc (09022015). Collection method: clinical testing. Allele origin: germline.
Comment: This sequence change replaces arginine, which is basic and polar, with cysteine, which is neutral and slightly polar, at codon 474 of the NLRP1 protein (p.Arg474Cys). This variant is present in population databases (rs202231072, gnomAD 0.003%). This variant has not been reported in the literature in individuals affected with NLRP1-related conditions. ClinVar contains an entry for this variant (Variation ID: 2189961). An algorithm developed to predict the effect of missense changes on protein structure and function outputs the following: PolyPhen-2: "Benign". The cysteine amino acid residue is found in multiple mammalian species, which suggests that this missense change does not adversely affect protein function. In summary, the available evidence is currently insufficient to determine the role of this variant in disease. Therefore, it has been classified as a Variant of Uncertain Significance.